The following is an entry in ClinVar:

NM_000260.4(MYO7A):c.1936-23G>A

Gene: MYO7A (myosin VIIA; plus strand). Cytogenetic location: 11q13.5.
Variant type: single nucleotide variant.
Coding change: c.1936-23G>A on transcript NM_000260.4 (MANE Select); 23 bases into the intron before coding-DNA position 1936, G replaced by A.
Molecular consequence: intron variant.
Genome position (GRCh38, 1-based): chr11:77,174,733, G>A. VCF-style: chr11-77174733-G-A. GRCh37 (hg19) VCF-style: chr11-76885779-G-A.
Other names: c.1903-23G>A (NM_001369365.1); c.1936-23G>A (NM_001127180.2).
Identifiers: ClinVar variation 255661 (VCV000255661.6), dbSNP rs2276283, ClinGen allele CA6197649.

ClinVar aggregate classification (germline): Benign. Review status: criteria provided, multiple submitters, no conflicts (2 of 4 stars). 6 submissions from 4 submitters: Benign (6). Last evaluated 2021-07-01.

Conditions:
Usher syndrome type 1 (USH1). Also called: RETINITIS PIGMENTOSA AND CONGENITAL DEAFNESS. Identifiers: Orphanet 231169, Orphanet 886, MedGen C1568247, MONDO:0010168, OMIM 276900.
Autosomal dominant nonsyndromic hearing loss 11. Identifiers: Orphanet 90635, MedGen C1832475, MONDO:0011032, OMIM 601317.
Autosomal recessive nonsyndromic hearing loss 2. Also called: DEAFNESS, AUTOSOMAL RECESSIVE 2; NEUROSENSORY NONSYNDROMIC RECESSIVE DEAFNESS 2. Identifiers: Orphanet 90636, MedGen C1838701, MONDO:0010807, OMIM 600060.

Allele frequency attached by ClinVar (database versions not stated): 1000 Genomes Project 0.48562; 1000 Genomes Project 30x 0.48735; TOPMed 0.52182; gnomAD 0.52290 and 0.52888; ESP Exome Variant Server 0.52803; gnomAD exomes 0.52805 and 0.53848; ExAC 0.54320.
gnomAD v4.1: 834,516 of 1,557,772 alleles (54%); highest among the groups gnomAD compares: Admixed American, 63%; 226,220 homozygotes.

Submissions (6):

Genome-Nilou Lab
Classification: Benign for Autosomal dominant nonsyndromic hearing loss 11. Last evaluated: 2021-07-01. Review status: criteria provided, single submitter. Criteria: ACMG Guidelines, 2015. Collection method: clinical testing. Allele origin: germline. Affected: no.

Genome-Nilou Lab
Classification: Benign for Autosomal recessive nonsyndromic hearing loss 2. Last evaluated: 2021-07-01. Review status: criteria provided, single submitter. Criteria: ACMG Guidelines, 2015. Collection method: clinical testing. Allele origin: germline. Affected: no.

Genome-Nilou Lab
Classification: Benign for Usher syndrome type 1. Last evaluated: 2021-07-01. Review status: criteria provided, single submitter. Criteria: ACMG Guidelines, 2015. Collection method: clinical testing. Allele origin: germline. Affected: no.

GeneDx
Classification: Benign. Last evaluated: 2018-06-13. Review status: criteria provided, single submitter. Criteria: GeneDx Variant Classification (06012015). Collection method: clinical testing. Allele origin: germline. Affected: yes.
Comment: This variant is considered likely benign or benign based on one or more of the following criteria: it is a conservative change, it occurs at a poorly conserved position in the protein, it is predicted to be benign by multiple in silico algorithms, and/or has population frequency not consistent with disease.

Breakthrough Genomics
Classification: Benign. Review status: criteria provided, single submitter. Criteria: ACMG Guidelines, 2015. Collection method: not provided. Allele origin: germline. Inheritance: Autosomal recessive inheritance. Affected: yes.

PreventionGenetics, part of Exact Sciences
Classification: Benign. Review status: criteria provided, single submitter. Criteria: ACMG Guidelines, 2015. Collection method: clinical testing. Allele origin: germline.